The following is an entry in ClinVar:

NM_001127222.2(CACNA1A):c.3164G>C (p.Gly1055Ala)

Gene: CACNA1A (calcium voltage-gated channel subunit alpha1 A; minus strand). Cytogenetic location: 19p13.13.
Variant type: single nucleotide variant.
Coding change: c.3164G>C on transcript NM_001127222.2 (MANE Select); coding-DNA position 3164, G replaced by C.
Protein change: p.Gly1055Ala; replaces glycine 1055 with alanine.
Molecular consequence: missense variant.
Genome position (GRCh38, 1-based): chr19:13,286,892, C>G on the plus strand (G>C on the coding strand, the complement: CACNA1A is on the minus strand). VCF-style: chr19-13286892-C-G. GRCh37 (hg19) VCF-style: chr19-13397706-C-G.
Other names: c.3176G>C, p.Gly1059Ala (NM_000068.4, NM_023035.3); c.3167G>C, p.Gly1056Ala (NM_001127221.2, NM_001174080.2); short protein forms G1059A, G1055A, G1056A.
Identifiers: ClinVar variation 659038 (VCV000659038.1), dbSNP rs1600246526, ClinGen allele CA404341933.

ClinVar aggregate classification (germline): Uncertain significance (1 of 4 stars; one submission).

Conditions:
Developmental and epileptic encephalopathy, 42 (DEE42A). Also called: Epileptic encephalopathy, early infantile, 42; DEVELOPMENTAL AND EPILEPTIC ENCEPHALOPATHY 42A; EPILEPTIC ENCEPHALOPATHY, EARLY INFANTILE, 42A. Identifiers: MedGen C4310716, MONDO:0014917, OMIM 617106.
Episodic ataxia type 2 (EA2). Also called: CEREBELLAR ATAXIA, PAROXYSMAL, ACETAZOLAMIDE-RESPONSIVE; CEREBELLOPATHY, HEREDITARY PAROXYSMAL; EPISODIC ATAXIA, NYSTAGMUS-ASSOCIATED; ATAXIA, EPISODIC, WITH NYSTAGMUS; ATAXIA, FAMILIAL PAROXYSMAL; ACETAZOLAMIDE-RESPONSIVE HEREDITARY PAROXYSMAL CEREBELLAR ATAXIA. Identifiers: Orphanet 97, MedGen C1720416, MONDO:0007163, OMIM 108500.

Submission:

Labcorp Genetics (formerly Invitae), Labcorp
Classification: Uncertain significance for Epileptic encephalopathy, early infantile, 42; Episodic ataxia type 2. Last evaluated: 2018-12-17. Review status: criteria provided, single submitter. Criteria: Invitae Variant Classification Sherloc (09022015). Collection method: clinical testing. Allele origin: germline.
Comment: This sequence change replaces glycine with alanine at codon 1056 of the CACNA1A protein (p.Gly1056Ala). The glycine residue is weakly conserved and there is a small physicochemical difference between glycine and alanine. This variant is not present in population databases (ExAC no frequency). This variant has not been reported in the literature in individuals with CACNA1A-related disease. Algorithms developed to predict the effect of missense changes on protein structure and function (SIFT, PolyPhen-2, Align-GVGD) all suggest that this variant is likely to be tolerated, but these predictions have not been confirmed by published functional studies and their clinical significance is uncertain. In summary, the available evidence is currently insufficient to determine the role of this variant in disease. Therefore, it has been classified as a Variant of Uncertain Significance.